The following is an entry in ClinVar:

NC_012920.1(MT-ND5):m.13151T>C

Gene: MT-ND5 (mitochondrially encoded NADH dehydrogenase 5; plus strand).
Variant type: single nucleotide variant.
Genome position: chrM-13151-T-C.
Identifiers: ClinVar variation 693527 (VCV000693527.1), dbSNP rs1603224062, ClinGen allele CA414816709.

ClinVar aggregate classification (germline): Uncertain significance (1 of 4 stars; one submission).

Conditions:
Leigh syndrome (NULS). Also called: Leigh's necrotizing encephalopathy; Leigh's disease; Leigh Syndrome (mtDNA deletion); Leigh Disease; Subacute necrotizing encephalopathy; Necrotizing encephalopathy infantile subacute of Leigh. Identifiers: Orphanet 506, MedGen C2931891, MONDO:0009723, OMIM 256000.

Submission:

Wong Mito Lab, Molecular and Human Genetics, Baylor College of Medicine
Classification: Uncertain significance for Leigh syndrome. Last evaluated: 2019-10-17. Review status: criteria provided, single submitter. Criteria: Modified ACMG Guidelines (Unpublished). Collection method: clinical testing. Allele origin: germline.
Comment: The NC_012920.1:m.13151T>C (YP_003024036.1:p.Leu272Pro) variant in MTND5 gene is interpretated to be a Uncertain Significance variant based on the modified ACMG guidelines (unpublished). This variant meets the following evidence codes: PP6, BP4